The following is an entry in ClinVar:

NM_001378454.1(ALMS1):c.5681G>T (p.Ser1894Ile)

Gene: ALMS1 (ALMS1 centrosome and basal body associated protein; plus strand). Cytogenetic location: 2p13.1.
Variant type: single nucleotide variant.
Coding change: c.5681G>T on transcript NM_001378454.1 (MANE Select); coding-DNA position 5681, G replaced by T.
Protein change: p.Ser1894Ile; replaces serine 1894 with isoleucine.
Molecular consequence: missense variant.
Genome position (GRCh38, 1-based): chr2:73,452,208, G>T. VCF-style: chr2-73452208-G-T. GRCh37 (hg19) VCF-style: chr2-73679335-G-T.
Other names: c.5684G>T, p.Ser1895Ile (NM_015120.4); short protein forms S1894I, S1895I.
Identifiers: ClinVar variation 2028225 (VCV002028225.1), dbSNP rs752778908, ClinGen allele CA1713923.

ClinVar aggregate classification (germline): Uncertain significance (1 of 4 stars; one submission).

Conditions:
Alstrom syndrome (ALMS). Identifiers: Orphanet 64, MedGen C0268425, MONDO:0008763, OMIM 203800.

Allele frequency attached by ClinVar (database versions not stated): ExAC 0.00001.
gnomAD v4.1: 6 of 1,614,048 alleles (0.00037%); highest among the groups gnomAD compares: Non-Finnish European, 0.00051%; no homozygotes.

Submission:

Labcorp Genetics (formerly Invitae), Labcorp
Classification: Uncertain significance for Alstrom syndrome. Last evaluated: 2022-02-19. Review status: criteria provided, single submitter. Criteria: Invitae Variant Classification Sherloc (09022015). Collection method: clinical testing. Allele origin: germline.
Comment: This sequence change replaces serine, which is neutral and polar, with isoleucine, which is neutral and non-polar, at codon 1895 of the ALMS1 protein (p.Ser1895Ile). This variant is present in population databases (rs752778908, gnomAD 0.002%). This variant has not been reported in the literature in individuals affected with ALMS1-related conditions. Experimental studies and prediction algorithms are not available or were not evaluated, and the functional significance of this variant is currently unknown. In summary, the available evidence is currently insufficient to determine the role of this variant in disease. Therefore, it has been classified as a Variant of Uncertain Significance.